The following is an entry in ClinVar:

ClinVar aggregate classification (germline): Uncertain significance. Review status: criteria provided, multiple submitters, no conflicts (2 of 4 stars). 4 submissions from 4 submitters: Uncertain significance (3). 1 of the submissions does not count toward it. Last evaluated 2025-10-21.

Conditions:
Amyotrophic lateral sclerosis, susceptibility to, 24. Identifiers: MedGen C4693523, MONDO:0054750, OMIM 617892.
Mohr syndrome (OFD2). Also called: ORAL-FACIAL-DIGITAL SYNDROME, TYPE II; OROFACIODIGITAL SYNDROME II; OFDS II. Identifiers: Orphanet 2751, MedGen C0026363, MONDO:0009642, OMIM 252100.
Short-rib thoracic dysplasia 6 with or without polydactyly (SRTD6). Also called: Majewski Syndrome; SHORT-RIB THORACIC DYSPLASIA 6 WITH POLYDACTYLY; SHORT-RIB THORACIC DYSPLASIA 6 WITHOUT POLYDACTYLY; POLYDACTYLY WITH NEONATAL CHONDRODYSTROPHY, TYPE II; SHORT RIB-POLYDACTYLY SYNDROME, TYPE IIA. Identifiers: MedGen C0024507, MONDO:0009894, OMIM 263520.
NEK1-related disorder. Also called: NEK1-related condition.

Allele frequency attached by ClinVar (database versions not stated): ExAC 0.00002; gnomAD exomes 0.00005; TOPMed 0.00005; gnomAD 0.00006.
gnomAD v4.1: 150 of 1,613,676 alleles (0.0093%); highest among the groups gnomAD compares: Non-Finnish European, 0.012%; 1 homozygote.

Submissions (4):

Labcorp Genetics (formerly Invitae), Labcorp
Classification: Uncertain significance for Short-rib thoracic dysplasia 6 with or without polydactyly. Last evaluated: 2025-10-21. Review status: criteria provided, single submitter. Criteria: Invitae Variant Classification Sherloc (09022015). Collection method: clinical testing. Allele origin: germline.
Comment: This sequence change replaces arginine, which is basic and polar, with lysine, which is basic and polar, at codon 1118 of the NEK1 protein (p.Arg1118Lys). The frequency data for this variant in the population databases is considered unreliable, as metrics indicate poor data quality at this position in the gnomAD database. This missense change has been observed in individual(s) with amyotrophic lateral sclerosis (PMID: 33445179). ClinVar contains an entry for this variant (Variation ID: 1493572). Invitae Evidence Modeling of protein sequence and biophysical properties (such as structural, functional, and spatial information, amino acid conservation, physicochemical variation, residue mobility, and thermodynamic stability) indicates that this missense variant is not expected to disrupt NEK1 protein function with a negative predictive value of 80%. In summary, the available evidence is currently insufficient to determine the role of this variant in disease. Therefore, it has been classified as a Variant of Uncertain Significance.

Women's Health and Genetics/Laboratory Corporation of America, LabCorp
Classification: Uncertain significance. Last evaluated: 2023-03-30. Review status: criteria provided, single submitter. Criteria: LabCorp Variant Classification Summary - May 2015. Collection method: clinical testing. Allele origin: germline.
Comment: Variant summary: NEK1 c.3353G>A (p.Arg1118Lys) results in a conservative amino acid change in the encoded protein sequence. Five of five in-silico tools predict a benign effect of the variant on protein function. The variant allele was found at a frequency of 4.8e-05 in 249028 control chromosomes (gnomAD). c.3353G>A has been reported in the literature in at least one individual affected with Amyotrophic Lateral Sclerosis, Susceptibility To, 24, as well as in one control (Kenna_2016, Lattante_2021). These reports do not provide unequivocal conclusions about association of the variant with Amyotrophic Lateral Sclerosis, Susceptibility To, 24. To our knowledge, no experimental evidence demonstrating an impact on protein function has been reported. One ClinVar submitter (evaluation after 2014) cites this variant as uncertain significance. Based on the evidence outlined above, the variant was classified as uncertain significance.

Department of Pathology and Laboratory Medicine, Sinai Health System
Classification: Uncertain significance for Mohr syndrome; Short-rib thoracic dysplasia 6 with or without polydactyly; Amyotrophic lateral sclerosis, susceptibility to, 24. Last evaluated: 2022-12-02. Review status: criteria provided, single submitter. Criteria: ACMG Guidelines, 2015. Collection method: research. Allele origin: germline.

PreventionGenetics, part of Exact Sciences
Classification: Uncertain significance for NEK1-related condition. Last evaluated: 2024-08-13. Review status: no assertion criteria provided. Collection method: clinical testing. Allele origin: germline. Not counted in ClinVar's aggregate classification.
Comment: The NEK1 c.3353G>A variant is predicted to result in the amino acid substitution p.Arg1118Lys. This variant, alternatively referred to as c.3437G>A (p.Arg1146Lys) using NM_001199397.1, has been reported in an individual with amyotrophic lateral sclerosis (Lattante et al. 2021. PubMed ID: 33445179). This variant is reported in 0.010% of alleles in individuals of European (non-Finnish) descent in gnomAD. At this time, the clinical significance of this variant is uncertain due to the absence of conclusive functional and genetic evidence.

Literature cited by the submitters: PubMed 33445179 (cited by Labcorp Genetics (formerly Invitae), Labcorp and Women's Health and Genetics/Laboratory Corporation of America, LabCorp); PubMed 27455347 (cited by Women's Health and Genetics/Laboratory Corporation of America, LabCorp); PubMed 35495032 (cited by Women's Health and Genetics/Laboratory Corporation of America, LabCorp).

NM_001199397.3(NEK1):c.3437G>A (p.Arg1146Lys)

Gene: NEK1 (NIMA related kinase 1; minus strand). Cytogenetic location: 4q33.
Variant type: single nucleotide variant.
Coding change: c.3437G>A on transcript NM_001199397.3 (MANE Select); coding-DNA position 3437, G replaced by A.
Protein change: p.Arg1146Lys; replaces arginine 1146 with lysine.
Molecular consequence: missense variant. On other transcripts: non-coding transcript variant (1).
Genome position (GRCh38, 1-based): chr4:169,401,798, C>T on the plus strand (G>A on the coding strand, the complement: NEK1 is on the minus strand). VCF-style: chr4-169401798-C-T. GRCh37 (hg19) VCF-style: chr4-170322949-C-T.
Other names: c.3305G>A, p.Arg1102Lys (NM_001199398.3); c.3146G>A, p.Arg1049Lys (NM_001199399.3); c.3221G>A, p.Arg1074Lys (NM_001199400.3); c.3437G>A, p.Arg1146Lys (NM_001374418.1); c.3353G>A, p.Arg1118Lys (NM_001374419.1, NM_012224.4); c.3302G>A, p.Arg1101Lys (NM_001374420.1); c.2954G>A, p.Arg985Lys (NM_001374421.1); c.3353G>A (NM_012224.2); short protein forms R1101K, R1102K, R1118K, R1049K, R1074K, R1146K, R985K.
Identifiers: ClinVar variation 1493572 (VCV001493572.10), dbSNP rs751475605, ClinGen allele CA3137161.
Genomic context (GRCh38, chr4:169,401,798, plus strand): 5'-ACATCACTGTTCTTCAAGACTGACTCTTCTTCTTCACTGTATTCTTCACCAGGTTGTTCC[C>T]TAAGTAACTGTTCCATCGAGGCCTGCAGCTCTTGTAAATCTGTGTCAGTTTCTTCAAACA-3'
Protein context (NP_001186326.1, residues 1136-1156): ELQASMEQLL[Arg1146Lys]EQPGEEYSEE